The following is an entry in ClinVar:

NM_007294.4(BRCA1):c.1121_1123delinsT (p.Thr374fs)

Gene: BRCA1 (BRCA1 DNA repair associated; minus strand). Cytogenetic location: 17q21.31.
Variant type: Indel.
Coding change: c.1121_1123delinsT on transcript NM_007294.4 (MANE Select); coding-DNA positions 1121 to 1123, CAC replaced by T.
Protein change: p.Thr374fs; shifts the reading frame from threonine 374.
Molecular consequence: frameshift variant. On other transcripts: intron variant (137).
Genome position (GRCh38, 1-based): chr17:43,094,408-43,094,410, GTG replaced by A on the plus strand (CAC replaced by T on the coding strand, the reverse complement: BRCA1 is on the minus strand). VCF-style: chr17-43094408-GTG-A. GRCh37 (hg19) VCF-style: chr17-41246425-GTG-A.
Other names: 1240delCACinsT; c.977_979delinsT, p.Thr326fs (NM_001407844.1, NM_001407845.1, NM_001407846.1 and 20 more transcripts); c.980_982delinsT, p.Thr327fs (NM_001407850.1, NM_001407851.1, NM_001407852.1 and 29 more transcripts); c.908_910delinsT, p.Thr303fs (NM_001407853.1, NM_001407894.1, NM_001407895.1 and 9 more transcripts); c.1121_1123delinsT, p.Thr374fs (NM_001407854.1, NM_001407858.1, NM_001407859.1 and 30 more transcripts); c.1118_1120delinsT, p.Thr373fs (NM_001407860.1, NM_001407861.1, NM_001407587.1 and 22 more transcripts); c.920_922delinsT, p.Thr307fs (NM_001407862.1); c.998_1000delinsT, p.Thr333fs (NM_001407863.1, NM_001407919.1, NM_001407937.1 and 19 more transcripts); and 41 more; short protein forms T374fs, T327fs, T285fs, T78fs, T247fs, T306fs, T332fs, T333fs.
Identifiers: ClinVar variation 54137 (VCV000054137.6), dbSNP rs273897652, ClinGen allele CA000748.

ClinVar aggregate classification (germline): Pathogenic. Review status: reviewed by expert panel (3 of 4 stars). 5 submissions from 5 submitters: Pathogenic (1). 4 of the submissions do not count toward it. Last evaluated 2016-09-08.

Conditions:
Breast-ovarian cancer, familial, susceptibility to, 1 (BROVCA1). Also called: OVARIAN CANCER, SUSCEPTIBILITY TO; BRCA1 Hereditary Breast and Ovarian Cancer. Identifiers: Orphanet 145, MedGen C2676676, MONDO:0011450, OMIM 604370. Disease mechanism: loss of function.

Submissions (5):

Evidence-based Network for the Interpretation of Germline Mutant Alleles (ENIGMA)
Classification: Pathogenic for Breast-ovarian cancer, familial, susceptibility to, 1. Last evaluated: 2016-09-08. Review status: reviewed by expert panel. Criteria: ENIGMA BRCA1/2 Classification Criteria (2015). Collection method: curation. Allele origin: germline.
Comment: Variant allele predicted to encode a truncated non-functional protein.

Laboratorio de Genetica e Diagnostico Molecular, Hospital Israelita Albert Einstein
Classification: Pathogenic for Breast-ovarian cancer, familial, susceptibility to, 1. Last evaluated: 2022-08-03. Review status: criteria provided, single submitter. Criteria: ACMG Guidelines, 2015. Collection method: clinical testing. Allele origin: germline. Affected: yes. Observed: 1 variant allele. Not counted in ClinVar's aggregate classification.
Comment: ACMG classification criteria: PVS1 very strong, PS4 strong, PM2 moderated, PP1 supporting

Genologica Medica
Classification: Pathogenic for Breast-ovarian cancer, familial, susceptibility to, 1. Last evaluated: 2017-01-01. Review status: criteria provided, single submitter. Criteria: ACMG Guidelines, 2015. Collection method: clinical testing. Allele origin: germline. Affected: yes. Not counted in ClinVar's aggregate classification.

Consortium of Investigators of Modifiers of BRCA1/2 (CIMBA), c/o University of Cambridge
Classification: Pathogenic for Breast-ovarian cancer, familial, susceptibility to, 1. Last evaluated: 2015-10-02. Review status: criteria provided, single submitter. Criteria: CIMBA Mutation Classification guidelines May 2016. Collection method: clinical testing. Allele origin: germline. Not counted in ClinVar's aggregate classification.

Breast Cancer Information Core (BIC) (BRCA1)
Classification: Pathogenic for Breast-ovarian cancer, familial 1. Last evaluated: 2002-05-29. Review status: no assertion criteria provided. Collection method: clinical testing. Allele origin: germline. Affected: yes. Observed: 3 variant alleles. Not counted in ClinVar's aggregate classification.